The following is an entry in ClinVar:

NM_000257.4(MYH7):c.1925C>G (p.Ser642Trp)

Gene: MYH7 (myosin heavy chain 7; minus strand). Cytogenetic location: 14q11.2.
Variant type: single nucleotide variant.
Coding change: c.1925C>G on transcript NM_000257.4 (MANE Select); coding-DNA position 1925, C replaced by G.
Protein change: p.Ser642Trp; replaces serine 642 with tryptophan.
Molecular consequence: missense variant.
Genome position (GRCh38, 1-based): chr14:23,427,271, G>C on the plus strand (C>G on the coding strand, the complement: MYH7 is on the minus strand). VCF-style: chr14-23427271-G-C. GRCh37 (hg19) VCF-style: chr14-23896480-G-C.
Other names: c.1925C>G, p.Ser642Trp (NM_001407004.1); short protein forms S642W.
Identifiers: ClinVar variation 3619895 (VCV003619895.2).

ClinVar aggregate classification (germline): Uncertain significance (1 of 4 stars; one submission).

Conditions:
Hypertrophic cardiomyopathy. Also called: HYPERTROPHIC MYOCARDIOPATHY. Identifiers: Orphanet 217569, MedGen C0007194, MeSH D002312, MONDO:0005045, HP:0001639.

Submission:

Labcorp Genetics (formerly Invitae), Labcorp
Classification: Uncertain significance for Hypertrophic cardiomyopathy. Last evaluated: 2024-07-16. Review status: criteria provided, single submitter. Criteria: Invitae Variant Classification Sherloc (09022015). Collection method: clinical testing. Allele origin: germline.
Comment: This sequence change replaces serine, which is neutral and polar, with tryptophan, which is neutral and slightly polar, at codon 642 of the MYH7 protein (p.Ser642Trp). This variant is not present in population databases (gnomAD no frequency). This variant has not been reported in the literature in individuals affected with MYH7-related conditions. Advanced modeling of protein sequence and biophysical properties (such as structural, functional, and spatial information, amino acid conservation, physicochemical variation, residue mobility, and thermodynamic stability) performed at Invitae indicates that this missense variant is expected to disrupt MYH7 protein function with a positive predictive value of 95%. In summary, the available evidence is currently insufficient to determine the role of this variant in disease. Therefore, it has been classified as a Variant of Uncertain Significance.